The following is an entry in ClinVar:

ClinVar aggregate classification (germline): Uncertain significance (1 of 4 stars; one submission).

Conditions:
Charcot-Marie-Tooth disease type 1C. Also called: CHARCOT-MARIE-TOOTH DISEASE, DEMYELINATING, TYPE 1C; CMT, SLOW NERVE CONDUCTION TYPE C; HMSN IC; CHARCOT-MARIE-TOOTH NEUROPATHY, TYPE 1C; NEUROPATHY, HEREDITARY MOTOR AND SENSORY, TYPE IC; Charcot-Marie-Tooth disease, type IC. Identifiers: Orphanet 101083, MedGen C0270913, MONDO:0010995, OMIM 601098.

Submission:

Labcorp Genetics (formerly Invitae), Labcorp
Classification: Uncertain significance for Charcot-Marie-Tooth disease type 1C. Last evaluated: 2018-03-23. Review status: criteria provided, single submitter. Criteria: Invitae Variant Classification Sherloc (09022015). Collection method: clinical testing. Allele origin: germline.
Comment: In summary, the available evidence is currently insufficient to determine the role of this variant in disease. Therefore, it has been classified as a Variant of Uncertain Significance. Algorithms developed to predict the effect of missense changes on protein structure and function (SIFT, PolyPhen-2, Align-GVGD) all suggest that this variant is likely to be disruptive, but these predictions have not been confirmed by published functional studies and their clinical significance is uncertain. This variant has not been reported in the literature in individuals with LITAF-related disease. This variant is not present in population databases (ExAC no frequency). This sequence change replaces proline with leucine at codon 91 of the LITAF protein (p.Pro91Leu). The proline residue is highly conserved and there is a moderate physicochemical difference between proline and leucine.

NM_001136472.2(LITAF):c.272C>T (p.Pro91Leu)

Gene: LITAF (lipopolysaccharide induced TNF factor; minus strand). Cytogenetic location: 16p13.13.
Variant type: single nucleotide variant.
Coding change: c.272C>T on transcript NM_001136472.2 (MANE Select); coding-DNA position 272, C replaced by T.
Protein change: p.Pro91Leu; replaces proline 91 with leucine.
Molecular consequence: missense variant. On other transcripts: non-coding transcript variant (1).
Genome position (GRCh38, 1-based): chr16:11,553,638, G>A on the plus strand (C>T on the coding strand, the complement: LITAF is on the minus strand). VCF-style: chr16-11553638-G-A. GRCh37 (hg19) VCF-style: chr16-11647494-G-A.
Other names: c.272C>T, p.Pro91Leu (NM_001136473.1, NM_004862.4); short protein forms P91L.
Identifiers: ClinVar variation 581607 (VCV000581607.8), dbSNP rs11544251, ClinGen allele CA394765763.